The following is an entry in ClinVar:

NM_000057.4(BLM):c.1484A>G (p.His495Arg)

Gene: BLM (BLM RecQ like helicase; plus strand). Cytogenetic location: 15q26.1.
Variant type: single nucleotide variant.
Coding change: c.1484A>G on transcript NM_000057.4 (MANE Select); coding-DNA position 1484, A replaced by G.
Protein change: p.His495Arg; replaces histidine 495 with arginine.
Molecular consequence: missense variant.
Genome position (GRCh38, 1-based): chr15:90,760,857, A>G. VCF-style: chr15-90760857-A-G. GRCh37 (hg19) VCF-style: chr15-91304087-A-G.
Other names: c.1484A>G, p.His495Arg (NM_001287246.2, NM_001287247.2); c.359A>G, p.His120Arg (NM_001287248.2); short protein forms H120R, H495R.
Identifiers: ClinVar variation 1411533 (VCV001411533.5), dbSNP rs2151158309, ClinGen allele CA393843159.

ClinVar aggregate classification (germline): Uncertain significance (1 of 4 stars; one submission).

Conditions:
Bloom syndrome (BLM). Also called: Bloom-Torre-Machacek syndrome. Identifiers: Orphanet 125, MedGen C0005859, MONDO:0008876, OMIM 210900.

gnomAD v4.1: 1 of 1,614,080 alleles (0.000062%); highest among the groups gnomAD compares: Non-Finnish European, 0.000085%; no homozygotes.

Submission:

Labcorp Genetics (formerly Invitae), Labcorp
Classification: Uncertain significance for Bloom syndrome. Last evaluated: 2021-08-26. Review status: criteria provided, single submitter. Criteria: Invitae Variant Classification Sherloc (09022015). Collection method: clinical testing. Allele origin: germline.
Comment: This sequence change replaces histidine with arginine at codon 495 of the BLM protein (p.His495Arg). The histidine residue is weakly conserved and there is a small physicochemical difference between histidine and arginine. This variant is not present in population databases (ExAC no frequency). This variant has not been reported in the literature in individuals affected with BLM-related conditions. Algorithms developed to predict the effect of missense changes on protein structure and function (SIFT, PolyPhen-2, Align-GVGD) all suggest that this variant is likely to be tolerated. In summary, the available evidence is currently insufficient to determine the role of this variant in disease. Therefore, it has been classified as a Variant of Uncertain Significance.